The following is an entry in ClinVar:

NM_006295.3(VARS1):c.2825G>A (p.Arg942Gln)

Gene: VARS1 (valyl-tRNA synthetase 1; minus strand). Cytogenetic location: 6p21.33.
Variant type: single nucleotide variant.
Coding change: c.2825G>A on transcript NM_006295.3 (MANE Select); coding-DNA position 2825, G replaced by A.
Protein change: p.Arg942Gln; replaces arginine 942 with glutamine.
Molecular consequence: missense variant.
Genome position (GRCh38, 1-based): chr6:31,780,541, C>T on the plus strand (G>A on the coding strand, the complement: VARS1 is on the minus strand). VCF-style: chr6-31780541-C-T. GRCh37 (hg19) VCF-style: chr6-31748318-C-T.
Other names: short protein forms R942Q.
Identifiers: ClinVar variation 561999 (VCV000561999.8), dbSNP rs1336685414, ClinGen allele CA363443159.

ClinVar aggregate classification (germline): Likely pathogenic. Review status: criteria provided, single submitter (1 of 4 stars). 3 submissions from 3 submitters: Likely pathogenic (1). 2 of the submissions do not count toward it. Last evaluated 2022-07-11.

Conditions:
Neurodevelopmental disorder with microcephaly, seizures, and cortical atrophy. Identifiers: MedGen C4540493, MONDO:0060621, OMIM 617802.

Allele frequency attached by ClinVar (database versions not stated): gnomAD 0.00001; gnomAD exomes 0.00001; TOPMed 0.00002.
gnomAD v4.1: 18 of 1,613,822 alleles (0.0011%); highest among the groups gnomAD compares: Non-Finnish European, 0.0014%; no homozygotes.

Submissions (3):

GeneDx
Classification: Likely pathogenic. Last evaluated: 2022-07-11. Review status: criteria provided, single submitter. Criteria: GeneDx Variant Classification Process June 2021. Collection method: clinical testing. Allele origin: germline. Affected: yes.
Comment: Not observed in large population cohorts (gnomAD); In silico analysis supports that this missense variant has a deleterious effect on protein structure/function; This variant is associated with the following publications: (PMID: 30755616)

OMIM
Classification: Pathogenic for NEURODEVELOPMENTAL DISORDER WITH MICROCEPHALY, SEIZURES, AND CORTICAL ATROPHY. Last evaluated: 2019-08-20. Review status: no assertion criteria provided. Collection method: literature only. Allele origin: germline. Not counted in ClinVar's aggregate classification.

Neurogenetics group, VIB, Antwerp, Belgium
Classification: Pathogenic for Neurodevelopmental disorder with microcephaly, seizures, and cortical atrophy. Last evaluated: 2018-09-03. Review status: no assertion criteria provided. Collection method: research. Allele origin: paternal. Inheritance: Autosomal recessive inheritance. Affected: yes. Not counted in ClinVar's aggregate classification.

Literature cited by the submitters: PubMed 30755616 (cited by OMIM).